The following is an entry in ClinVar:

NM_014727.3(KMT2B):c.7030G>C (p.Ala2344Pro)

Gene: KMT2B (lysine methyltransferase 2B; plus strand). Cytogenetic location: 19q13.12.
Variant type: single nucleotide variant.
Coding change: c.7030G>C on transcript NM_014727.3 (MANE Select); coding-DNA position 7030, G replaced by C.
Protein change: p.Ala2344Pro; replaces alanine 2344 with proline.
Molecular consequence: missense variant.
Genome position (GRCh38, 1-based): chr19:35,733,667, G>C. VCF-style: chr19-35733667-G-C. GRCh37 (hg19) VCF-style: chr19-36224568-G-C.
Other names: short protein forms A2344P.
Identifiers: ClinVar variation 3617274 (VCV003617274.2).

ClinVar aggregate classification (germline): Uncertain significance (1 of 4 stars; one submission).

gnomAD v4.1: 1 of 1,600,834 alleles (0.000062%); highest among the groups gnomAD compares: Admixed American, 0.0017%; no homozygotes.

Submission:

Labcorp Genetics (formerly Invitae), Labcorp
Classification: Uncertain significance. Last evaluated: 2024-10-29. Review status: criteria provided, single submitter. Criteria: Invitae Variant Classification Sherloc (09022015). Collection method: clinical testing. Allele origin: germline.
Comment: This sequence change replaces alanine, which is neutral and non-polar, with proline, which is neutral and non-polar, at codon 2344 of the KMT2B protein (p.Ala2344Pro). This variant is not present in population databases (gnomAD no frequency). This variant has not been reported in the literature in individuals affected with KMT2B-related conditions. Invitae Evidence Modeling of protein sequence and biophysical properties (such as structural, functional, and spatial information, amino acid conservation, physicochemical variation, residue mobility, and thermodynamic stability) indicates that this missense variant is not expected to disrupt KMT2B protein function with a negative predictive value of 95%. In summary, the available evidence is currently insufficient to determine the role of this variant in disease. Therefore, it has been classified as a Variant of Uncertain Significance.